The following is an entry in ClinVar:

NM_001009999.3(KDM1A):c.625A>C (p.Thr209Pro)

Gene: KDM1A (lysine demethylase 1A; plus strand). Cytogenetic location: 1p36.12.
Variant type: single nucleotide variant.
Coding change: c.625A>C on transcript NM_001009999.3 (MANE Select); coding-DNA position 625, A replaced by C.
Protein change: p.Thr209Pro; replaces threonine 209 with proline.
Molecular consequence: missense variant.
Genome position (GRCh38, 1-based): chr1:23,050,434, A>C. VCF-style: chr1-23050434-A-C. GRCh37 (hg19) VCF-style: chr1-23376927-A-C.
Other names: c.565A>C, p.Thr189Pro (NM_001363654.2, NM_001410763.1, NM_015013.4); c.625A>C, p.Thr209Pro (NM_001410762.1); short protein forms T189P, T209P.
Identifiers: ClinVar variation 4858757 (VCV004858757.1).

ClinVar aggregate classification (germline): Uncertain significance (1 of 4 stars; one submission).

Conditions:
Inborn genetic diseases. Identifiers: MedGen C0950123, MeSH D030342.

gnomAD v4.1: 3 of 1,613,664 alleles (0.00019%); highest among the groups gnomAD compares: Non-Finnish European, 0.00025%; no homozygotes.

Submission:

Ambry Genetics
Classification: Uncertain significance for Inborn genetic diseases. Last evaluated: 2026-06-09. Review status: criteria provided, single submitter. Criteria: Ambry Variant Classification Scheme 2023. Collection method: clinical testing. Allele origin: germline.
Comment: The p.T209P variant (also known as c.625A>C), located in coding exon 4 of the KDM1A gene, results from an A to C substitution at nucleotide position 625. The threonine at codon 209 is replaced by proline, an amino acid with highly similar properties. This amino acid position is conserved. In addition, this alteration is predicted to be deleterious by in silico analysis. Based on the available evidence, the clinical significance of this variant remains unclear.